The following is an entry in ClinVar:

NM_024854.5(PYROXD1):c.154A>T (p.Asn52Tyr)

Gene: PYROXD1 (pyridine nucleotide-disulphide oxidoreductase domain 1; plus strand). Cytogenetic location: 12p12.1.
Variant type: single nucleotide variant.
Coding change: c.154A>T on transcript NM_024854.5 (MANE Select); coding-DNA position 154, A replaced by T.
Protein change: p.Asn52Tyr; replaces asparagine 52 with tyrosine.
Molecular consequence: missense variant. On other transcripts: 5 prime UTR variant (2).
Genome position (GRCh38, 1-based): chr12:21,440,437, A>T. VCF-style: chr12-21440437-A-T. GRCh37 (hg19) VCF-style: chr12-21593371-A-T.
Other names: c.-60A>T (NM_001350912.2); c.-550A>T (NM_001350913.2); short protein forms N52Y.
Identifiers: ClinVar variation 1706359 (VCV001706359.3), dbSNP rs201015588, ClinGen allele CA384298888.
Genomic context (GRCh38, chr12:21,440,437, plus strand): 5'-CACTTTCCATCGGAAGATATTCTCTTGGTAACAGCTTCTCCTGTTATTAAAGCAGTTACA[A>T]ATTTCAAGCAGGTAAGAACCTTTGTATAACTTGTTAATATTAATTTGAAAAAATTGCAAT-3'
Protein context (NP_079130.2, residues 42-62): TASPVIKAVT[Asn52Tyr]FKQISKILEE

ClinVar aggregate classification (germline): Uncertain significance (1 of 4 stars; one submission).

gnomAD v4.1: 5 of 1,590,300 alleles (0.00031%); highest among the groups gnomAD compares: Middle Eastern, 0.017%; no homozygotes.

Submission:

GeneDx
Classification: Uncertain significance. Last evaluated: 2023-06-07. Review status: criteria provided, single submitter. Criteria: GeneDx Variant Classification Process June 2021. Collection method: clinical testing. Allele origin: germline.
Comment: Not observed at significant frequency in large population cohorts (gnomAD); In silico analysis supports that this missense variant has a deleterious effect on protein structure/function; Has not been previously published as pathogenic or benign to our knowledge